The following is an entry in ClinVar:

NM_145046.5(CALR3):c.1078G>A (p.Glu360Lys)

Gene: CALR3 (calreticulin 3; minus strand). Cytogenetic location: 19p13.11.
Variant type: single nucleotide variant.
Coding change: c.1078G>A on transcript NM_145046.5 (MANE Select); coding-DNA position 1078, G replaced by A.
Protein change: p.Glu360Lys; replaces glutamic acid 360 with lysine.
Molecular consequence: missense variant.
Genome position (GRCh38, 1-based): chr19:16,479,208, C>T on the plus strand (G>A on the coding strand, the complement: CALR3 is on the minus strand). VCF-style: chr19-16479208-C-T. GRCh37 (hg19) VCF-style: chr19-16590019-C-T.
Other names: short protein forms E360K.
Identifiers: ClinVar variation 3705360 (VCV003705360.2).
Genomic context (GRCh38, chr19:16,479,208, plus strand): 5'-TGTGAAATTGATTGAAGTAATGTTCGTGCCTGTTAATTTTTCCCGACAGCAGCTCTTCCT[C>T]CTCTTCCTCGCGGGCCTTCTTCATTTCCTCCTTGGCCTGTATGGCATCCATCTCCCTTTC-3'
Protein context (NP_659483.2, residues 350-370): EEMKKAREEE[Glu360Lys]EELLSGKINR

ClinVar aggregate classification (germline): Uncertain significance (1 of 4 stars; one submission).

Conditions:
Hypertrophic cardiomyopathy 19. Also called: Familial hypertrophic cardiomyopathy 19. Identifiers: MedGen CN077603, MONDO:0013476.

Submission:

Labcorp Genetics (formerly Invitae), Labcorp
Classification: Uncertain significance for Hypertrophic cardiomyopathy 19. Last evaluated: 2024-03-05. Review status: criteria provided, single submitter. Criteria: Invitae Variant Classification Sherloc (09022015). Collection method: clinical testing. Allele origin: germline.
Comment: This sequence change replaces glutamic acid, which is acidic and polar, with lysine, which is basic and polar, at codon 360 of the CALR3 protein (p.Glu360Lys). This variant is present in population databases (no rsID available, gnomAD 0.007%). This variant has not been reported in the literature in individuals affected with CALR3-related conditions. Advanced modeling of protein sequence and biophysical properties (such as structural, functional, and spatial information, amino acid conservation, physicochemical variation, residue mobility, and thermodynamic stability) performed at Invitae indicates that this missense variant is not expected to disrupt CALR3 protein function with a negative predictive value of 80%. In summary, the available evidence is currently insufficient to determine the role of this variant in disease. Therefore, it has been classified as a Variant of Uncertain Significance.